The following is an entry in ClinVar:

NM_024753.5(TTC21B):c.2708C>T (p.Ala903Val)

Gene: TTC21B (tetratricopeptide repeat domain 21B; minus strand). Cytogenetic location: 2q24.3.
Variant type: single nucleotide variant.
Coding change: c.2708C>T on transcript NM_024753.5 (MANE Select); coding-DNA position 2708, C replaced by T.
Protein change: p.Ala903Val; replaces alanine 903 with valine.
Molecular consequence: missense variant.
Genome position (GRCh38, 1-based): chr2:165,901,771, G>A on the plus strand (C>T on the coding strand, the complement: TTC21B is on the minus strand). VCF-style: chr2-165901771-G-A. GRCh37 (hg19) VCF-style: chr2-166758281-G-A.
Other names: c.2708C>T (NM_024753.3); short protein forms A903V.
Identifiers: ClinVar variation 2630976 (VCV002630976.2), dbSNP rs1339081097, ClinGen allele CA349052329.
Genomic context (GRCh38, chr2:165,901,771, plus strand): 5'-AAGGTACTGACCTTATTATCTGTTTCGCAGTGAACCAGAGCCTCTCTATAAAACTTAATT[G>A]CTTTTTCATAGTCTCGCTGAGCAACAGAATGTTTTGCAATCTCTGCACAAATTTCAGCTG-3'
Protein context (NP_079029.3, residues 893-913): HSVAQRDYEK[Ala903Val]IKFYREALVH

ClinVar aggregate classification (germline): Uncertain significance. Review status: criteria provided, multiple submitters, no conflicts (2 of 4 stars). 2 submissions from 2 submitters: Uncertain significance (2). Last evaluated 2025-04-01.

Conditions:
Inborn genetic diseases. Identifiers: MedGen C0950123, MeSH D030342.
TTC21B-related disorder. Also called: TTC21B-related condition; TTC21B-related disorders.

Allele frequency attached by ClinVar (database versions not stated): gnomAD 0.00001; TOPMed 0.00001.
gnomAD v4.1: 1 of 1,613,928 alleles (0.000062%); highest among the groups gnomAD compares: African/African-American, 0.0013%; no homozygotes.

Submissions (2):

Ambry Genetics
Classification: Uncertain significance for Inborn genetic diseases. Last evaluated: 2025-04-01. Review status: criteria provided, single submitter. Criteria: Ambry Variant Classification Scheme 2023. Collection method: clinical testing. Allele origin: germline.

PreventionGenetics, part of Exact Sciences
Classification: Uncertain significance for TTC21B-related condition. Last evaluated: 2023-09-15. Review status: criteria provided, single submitter. Criteria: ACMG Guidelines, 2015. Collection method: clinical testing. Allele origin: germline.
Comment: The TTC21B c.2708C>T variant is predicted to result in the amino acid substitution p.Ala903Val. To our knowledge, this variant has not been reported in the literature or in a large population database, indicating this variant is rare. At this time, the clinical significance of this variant is uncertain due to the absence of conclusive functional and genetic evidence.